The following is an entry in ClinVar:

NM_001370259.2(MEN1):c.336C>G (p.Val112=)

Gene: MEN1 (menin 1; minus strand). Cytogenetic location: 11q13.1.
Variant type: single nucleotide variant.
Coding change: c.336C>G on transcript NM_001370259.2 (MANE Select); coding-DNA position 336, C replaced by G.
Protein change: p.Val112=; no amino-acid change (valine 112 retained).
Molecular consequence: synonymous variant.
Genome position (GRCh38, 1-based): chr11:64,809,774, G>C on the plus strand (C>G on the coding strand, the complement: MEN1 is on the minus strand). VCF-style: chr11-64809774-G-C. GRCh37 (hg19) VCF-style: chr11-64577246-G-C.
Other names: c.336C>G, p.Val112= (NM_000244.4, NM_001370251.2, NM_001370260.2 and 9 more transcripts).
Identifiers: ClinVar variation 748274 (VCV000748274.17), dbSNP rs1200092213, ClinGen allele CA475163433.

ClinVar aggregate classification (germline): Benign/Likely benign. Review status: criteria provided, multiple submitters, no conflicts (2 of 4 stars). 4 submissions from 4 submitters: Benign (1); Likely benign (3). Last evaluated 2025-08-15.

Conditions:
Hereditary cancer-predisposing syndrome. Also called: Tumor predisposition; Hereditary Cancer Syndrome; Neoplastic Syndromes, Hereditary; Hereditary neoplastic syndrome. Identifiers: Orphanet 140162, MedGen C0027672, MeSH D009386, MONDO:0015356.
Multiple endocrine neoplasia, type 1 (MEN1). Also called: MEA I; MEN I; WERMER SYNDROME; Endocrine adenomatosis multiple; MEN 1. Identifiers: Orphanet 652, MedGen C0025267, MeSH D018761, MONDO:0007540, OMIM 131100.

Allele frequency attached by ClinVar (database versions not stated): gnomAD exomes below 0.00001; TOPMed below 0.00001; gnomAD 0.00001.
gnomAD v4.1: 4 of 1,614,018 alleles (0.00025%); highest among the groups gnomAD compares: Non-Finnish European, 0.00034%; no homozygotes.

Submissions (4):

Labcorp Genetics (formerly Invitae), Labcorp
Classification: Likely benign for Multiple endocrine neoplasia, type 1. Last evaluated: 2025-08-15. Review status: criteria provided, single submitter. Criteria: Invitae Variant Classification Sherloc (09022015). Collection method: clinical testing. Allele origin: germline.

Myriad Genetics, Inc.
Classification: Benign for Multiple endocrine neoplasia, type 1. Last evaluated: 2024-10-31. Review status: criteria provided, single submitter. Criteria: Myriad Autosomal Dominant, Autosomal Recessive and X-Linked Classification Criteria (2023). Collection method: clinical testing. Allele origin: unknown.
Comment: This variant is considered benign. This variant is a silent/synonymous amino acid change and it is not expected to impact splicing.

All of Us Research Program, National Institutes of Health
Classification: Likely benign for Multiple endocrine neoplasia, type 1. Last evaluated: 2023-11-20. Review status: criteria provided, single submitter. Criteria: ACMG Guidelines, 2015. Collection method: clinical testing. Allele origin: germline. Inheritance: Autosomal dominant inheritance. Observed: 1 variant allele, 1 heterozygote.
Comment: This study involves interpretation of variants in research participants for the purpose of population health screening. Participant phenotype was not available at the time of variant classification. Additional details can be found in publication PMID: 35346344, PMCID: PMC8962531

Ambry Genetics
Classification: Likely benign for Hereditary cancer-predisposing syndrome. Last evaluated: 2019-03-20. Review status: criteria provided, single submitter. Criteria: Ambry Variant Classification Scheme 2023. Collection method: clinical testing. Allele origin: germline.